The following is an entry in ClinVar:

ClinVar aggregate classification (germline): Uncertain significance (1 of 4 stars; one submission).

Conditions:
ALG8 congenital disorder of glycosylation. Also called: ALG8-CDG; CONGENITAL DISORDER OF GLYCOSYLATION, TYPE Ih; CDG Ih. Identifiers: Orphanet 79325, MedGen C2931002, MONDO:0011969, OMIM 608104.

Allele frequency attached by ClinVar (database versions not stated): gnomAD 0.00001; ExAC 0.00002; TOPMed 0.00002; ESP Exome Variant Server 0.00008.
gnomAD v4.1: 7 of 1,577,344 alleles (0.00044%); highest among the groups gnomAD compares: Non-Finnish European, 0.00052%; no homozygotes.

Submission:

Labcorp Genetics (formerly Invitae), Labcorp
Classification: Uncertain significance for ALG8 congenital disorder of glycosylation. Last evaluated: 2022-10-30. Review status: criteria provided, single submitter. Criteria: Invitae Variant Classification Sherloc (09022015). Collection method: clinical testing. Allele origin: germline.
Comment: This sequence change falls in intron 6 of the ALG8 gene. It does not directly change the encoded amino acid sequence of the ALG8 protein. This variant is not present in population databases (gnomAD no frequency). This variant has not been reported in the literature in individuals affected with ALG8-related conditions. Algorithms developed to predict the effect of sequence changes on RNA splicing suggest that this variant may disrupt the consensus splice site. In summary, the available evidence is currently insufficient to determine the role of this variant in disease. Therefore, it has been classified as a Variant of Uncertain Significance.

NM_024079.5(ALG8):c.674-20A>C

Gene: ALG8 (ALG8 alpha-1,3-glucosyltransferase; minus strand). Cytogenetic location: 11q14.1.
Variant type: single nucleotide variant.
Coding change: c.674-20A>C on transcript NM_024079.5 (MANE Select); 20 bases into the intron before coding-DNA position 674, A replaced by C.
Molecular consequence: intron variant.
Genome position (GRCh38, 1-based): chr11:78,114,009, T>G on the plus strand (A>C on the coding strand, the complement: ALG8 is on the minus strand). VCF-style: chr11-78114009-T-G. GRCh37 (hg19) VCF-style: chr11-77825055-T-G.
Other names: c.674-20A>C (NM_001007027.3).
Identifiers: ClinVar variation 3002420 (VCV003002420.3), dbSNP rs371571471, ClinGen allele CA6203373.